The following is an entry in ClinVar:

ClinVar aggregate classification (germline): Uncertain significance (1 of 4 stars; one submission).

Submission:

Labcorp Genetics (formerly Invitae), Labcorp
Classification: Uncertain significance. Last evaluated: 2025-08-18. Review status: criteria provided, single submitter. Criteria: Invitae Variant Classification Sherloc (09022015). Collection method: clinical testing. Allele origin: germline.
Comment: This sequence change replaces asparagine, which is neutral and polar, with lysine, which is basic and polar, at codon 74 of the SLC25A4 protein (p.Asn74Lys). This variant is not present in population databases (gnomAD no frequency). This variant has not been reported in the literature in individuals affected with SLC25A4-related conditions. ClinVar contains an entry for this variant (Variation ID: 2800287). Invitae Evidence Modeling of protein sequence and biophysical properties (such as structural, functional, and spatial information, amino acid conservation, physicochemical variation, residue mobility, and thermodynamic stability) indicates that this missense variant is expected to disrupt SLC25A4 protein function with a positive predictive value of 80%. In summary, the available evidence is currently insufficient to determine the role of this variant in disease. Therefore, it has been classified as a Variant of Uncertain Significance.

NM_001151.4(SLC25A4):c.222C>A (p.Asn74Lys)

Gene: SLC25A4 (solute carrier family 25 member 4; plus strand). Cytogenetic location: 4q35.1.
Variant type: single nucleotide variant.
Coding change: c.222C>A on transcript NM_001151.4 (MANE Select); coding-DNA position 222, C replaced by A.
Protein change: p.Asn74Lys; replaces asparagine 74 with lysine.
Molecular consequence: missense variant.
Genome position (GRCh38, 1-based): chr4:185,144,874, C>A. VCF-style: chr4-185144874-C-A. GRCh37 (hg19) VCF-style: chr4-186066028-C-A.
Other names: short protein forms N74K.
Identifiers: ClinVar variation 2800287 (VCV002800287.3), dbSNP rs2477168637, ClinGen allele CA358896154.